The following is an entry in ClinVar:

ClinVar aggregate classification (germline): Conflicting classifications of pathogenicity. Review status: criteria provided, conflicting classifications (1 of 4 stars). 10 submissions from 10 submitters: Uncertain significance (8); Likely benign (2). Last evaluated 2026-08-17.

Conditions:
ADGRV1-related disorder. Also called: ADGRV1-related condition; ADGRV1-related disorders.
Febrile seizures, familial, 4 (FEB4). Also called: CONVULSIONS, FAMILIAL FEBRILE, 4. Identifiers: MedGen C1858493, MONDO:0011443, OMIM 604352.
Usher syndrome type 2C. Also called: Usher syndrome, type 2B; USHER SYNDROME, TYPE IIC. Identifiers: Orphanet 231178, Orphanet 886, MedGen C2931213, MONDO:0011558, OMIM 605472.
Hearing impairment. Also called: Impaired Hearing. Identifiers: MedGen C1384666, MONDO:0005365, HP:0000365.

Allele frequency attached by ClinVar (database versions not stated): gnomAD 0.00005; ESP Exome Variant Server 0.00008; TOPMed 0.00012; gnomAD exomes 0.00013 and 0.00018; ExAC 0.00020.
gnomAD v4.1: 211 of 1,613,432 alleles (0.013%); highest among the groups gnomAD compares: Middle Eastern, 1.1%; 1 homozygote.

Submissions (10):

PreventionGenetics, part of Exact Sciences
Classification: Uncertain significance for ADGRV1-related condition. Last evaluated: 2026-08-17. Review status: criteria provided, single submitter. Criteria: ACMG Guidelines, 2015. Collection method: clinical testing. Allele origin: germline.
Comment: The ADGRV1 c.8110A>T variant is predicted to result in the amino acid substitution p.Ile2704Phe. This variant was reported in an individual with retinal/optic nerve disease (Table S12, Diñeiro et al. 2020. PubMed ID: 32483926). This variant is reported in 0.023% of alleles in individuals of Latino descent in gnomAD. At this time, the clinical significance of this variant is uncertain due to the absence of conclusive functional and genetic evidence.

Labcorp Genetics (formerly Invitae), Labcorp
Classification: Likely benign. Last evaluated: 2026-01-27. Review status: criteria provided, single submitter. Criteria: Invitae Variant Classification Sherloc (09022015). Collection method: clinical testing. Allele origin: germline.

GeneDx
Classification: Uncertain significance. Last evaluated: 2025-06-25. Review status: criteria provided, single submitter. Criteria: GeneDx Variant Classification Process June 2021. Collection method: clinical testing. Allele origin: germline. Affected: yes.
Comment: Reported in a patient with blindness in published literature; clinical and molecular information is limited (PMID: 32483926); In silico analysis supports that this missense variant has a deleterious effect on protein structure/function; This variant is associated with the following publications: (PMID: 32483926)

Blueprint Genetics
Classification: Uncertain significance. Last evaluated: 2024-09-13. Review status: criteria provided, single submitter. Criteria: ACMG Guidelines, 2015. Collection method: clinical testing. Allele origin: germline.

CeGaT Center for Human Genetics Tuebingen
Classification: Likely benign. Last evaluated: 2023-12-01. Review status: criteria provided, single submitter. Criteria: CeGaT Center For Human Genetics Tuebingen Variant Classification Criteria Version 2. Collection method: clinical testing. Allele origin: germline. Affected: yes. Observed: 4 variant alleles.
Comment: ADGRV1: BP4

Department of Otolaryngology – Head & Neck Surgery, Cochlear Implant Center
Classification: Uncertain significance for Hearing impairment. Last evaluated: 2021-04-12. Review status: criteria provided, single submitter. Criteria: ClinGen HL ACMG Specifications v1. Collection method: clinical testing. Allele origin: germline. Affected: yes.
Comment: PM2_Supporting, BP4_Supporting

Laboratory for Molecular Medicine, Mass General Brigham Personalized Medicine
Classification: Uncertain significance. Last evaluated: 2018-11-28. Review status: criteria provided, single submitter. Criteria: LMM Criteria. Collection method: clinical testing. Allele origin: germline. Observed: 5 variant alleles.
Comment: The p.Ile2704Phe variant in GPR98 has been previously reported by our laboratory in 5 individuals with hearing loss; however none of them carried a second varia nt affecting the remaining copy of GPR98. In addition, three of them had pathoge nic variants in a different gene that explain their hearing loss. The variant ha s also been identified in 0.02% (8/35350) of Latino chromosomes and 0.02% (27/12 8098) of European chromosomes by the Genome Aggregation Database (gnomAD). This variant has been reported in ClinVar (Variatio n ID 46383). Computational prediction tools and conservation analysis do not pro vide strong support for or against an impact to the protein. In summary, the cl inical significance of the p.Ile2704Phe variant is uncertain. ACMG/AMP Criteria: none.

Fulgent Genetics
Classification: Uncertain significance for Febrile seizures, familial, 4; Usher syndrome type 2C. Last evaluated: 2018-10-31. Review status: criteria provided, single submitter. Criteria: ACMG Guidelines, 2015. Collection method: clinical testing. Allele origin: unknown.

Illumina Laboratory Services, Illumina
Classification: Uncertain significance for Usher syndrome type 2C. Last evaluated: 2018-01-13. Review status: criteria provided, single submitter. Criteria: ICSL Variant Classification Criteria 13 December 2019. Collection method: clinical testing. Allele origin: germline.

Eurofins Ntd Llc (ga)
Classification: Uncertain significance. Last evaluated: 2017-01-23. Review status: criteria provided, single submitter. Criteria: EGL Classification Definitions 2015. Collection method: clinical testing. Allele origin: germline. Observed: 1 variant allele, 1 heterozygote.

NM_032119.4(ADGRV1):c.8110A>T (p.Ile2704Phe)

Gene: ADGRV1 (adhesion G protein-coupled receptor V1; plus strand). Cytogenetic location: 5q14.3.
Variant type: single nucleotide variant.
Coding change: c.8110A>T on transcript NM_032119.4 (MANE Select); coding-DNA position 8110, A replaced by T.
Protein change: p.Ile2704Phe; replaces isoleucine 2704 with phenylalanine.
Molecular consequence: missense variant. On other transcripts: non-coding transcript variant (1).
Genome position (GRCh38, 1-based): chr5:90,697,101, A>T. VCF-style: chr5-90697101-A-T. GRCh37 (hg19) VCF-style: chr5-89992918-A-T.
Other names: short protein forms I2704F.
Identifiers: ClinVar variation 46383 (VCV000046383.71), dbSNP rs376318779, ClinGen allele CA138231.